The following is an entry in ClinVar:

ClinVar aggregate classification (germline): Uncertain significance (1 of 4 stars; one submission).

Submission:

GeneDx
Classification: Uncertain significance. Last evaluated: 2024-08-12. Review status: criteria provided, single submitter. Criteria: GeneDx Variant Classification Process June 2021. Collection method: clinical testing. Allele origin: germline. Affected: yes.
Comment: Not observed at significant frequency in large population cohorts (gnomAD); In silico analysis indicates that this missense variant does not alter protein structure/function; Has not been previously published as pathogenic or benign to our knowledge

NM_014271.4(IL1RAPL1):c.79T>C (p.Ser27Pro)

Gene: IL1RAPL1 (interleukin 1 receptor accessory protein like 1; plus strand). Cytogenetic location: Xp21.3.
Variant type: single nucleotide variant.
Coding change: c.79T>C on transcript NM_014271.4 (MANE Select); coding-DNA position 79, T replaced by C.
Protein change: p.Ser27Pro; replaces serine 27 with proline.
Molecular consequence: missense variant.
Genome position (GRCh38, 1-based): chrX:28,789,422, T>C. VCF-style: chrX-28789422-T-C. GRCh37 (hg19) VCF-style: chrX-28807539-T-C.
Other names: short protein forms S27P.
Identifiers: ClinVar variation 3731093 (VCV003731093.1).